The following is an entry in ClinVar:

ClinVar aggregate classification (germline): Uncertain significance. Review status: criteria provided, multiple submitters, no conflicts (2 of 4 stars). 3 submissions from 3 submitters: Uncertain significance (3). Last evaluated 2026-04-16.

Conditions:
TTN-related disorder. Also called: TTN-related condition; TTN-related disease; TTN-related disorders.
Hypertrophic cardiomyopathy 9. Also called: Familial hypertrophic cardiomyopathy 9. Identifiers: MedGen C1861065, MONDO:0013412, OMIM 613765.
Early-onset myopathy with fatal cardiomyopathy (CMYO5). Also called: CONGENITAL MYOPATHY 5 WITH CARDIOMYOPATHY; Salih Myopathy. Identifiers: Orphanet 289377, MedGen C2673677, MONDO:0012714, OMIM 611705. Disease mechanism: loss of function.
Autosomal recessive limb-girdle muscular dystrophy type 2J (LGMDR10). Also called: MUSCULAR DYSTROPHY, LIMB-GIRDLE, AUTOSOMAL RECESSIVE 10; Limb-girdle muscular dystrophy, type 2J. Identifiers: Orphanet 140922, MedGen C1837342, MONDO:0012127, OMIM 608807.
Dilated cardiomyopathy 1G (CMD1G). Identifiers: Orphanet 154, MedGen C1858763, MONDO:0011400, OMIM 604145.
Myopathy, myofibrillar, 9, with early respiratory failure (MFM9). Also called: Myopathy, distal, with early respiratory failure, autosomal dominant; Hereditary myopathy with early respiratory failure; EDSTROM MYOPATHY; MYOPATHY, PROXIMAL, WITH EARLY RESPIRATORY MUSCLE INVOLVEMENT. Identifiers: Orphanet 178464, Orphanet 34521, MedGen C1863599, MONDO:0011362, OMIM 603689.
Tibial muscular dystrophy (TMD). Also called: Tibial muscular dystrophy, tardive; Udd Distal Myopathy – Tibial Muscular Dystrophy; UDD MYOPATHY. Identifiers: Orphanet 609, MedGen C1838244, MONDO:0010870, OMIM 600334.

Allele frequency attached by ClinVar (database versions not stated): gnomAD exomes 0.00001; ExAC 0.00002; gnomAD 0.00002; TOPMed 0.00002.
gnomAD v4.1: 6 of 1,613,996 alleles (0.00037%); highest among the groups gnomAD compares: East Asian, 0.0045%; no homozygotes.

Submissions (3):

PreventionGenetics, part of Exact Sciences
Classification: Uncertain significance for TTN-related condition. Last evaluated: 2026-04-16. Review status: criteria provided, single submitter. Criteria: ACMG Guidelines, 2015. Collection method: clinical testing. Allele origin: germline.
Comment: The TTN c.1694C>T variant is predicted to result in the amino acid substitution p.Ser565Phe. To our knowledge, this variant has not been reported in the literature. This variant is reported in 0.010% of alleles in individuals of East Asian descent in gnomAD. At this time, the clinical significance of this variant is uncertain due to the absence of conclusive functional and genetic evidence.

Fulgent Genetics
Classification: Uncertain significance for Tibial muscular dystrophy; Myopathy, myofibrillar, 9, with early respiratory failure; Dilated cardiomyopathy 1G; Autosomal recessive limb-girdle muscular dystrophy type 2J; Early-onset myopathy with fatal cardiomyopathy; Hypertrophic cardiomyopathy 9. Last evaluated: 2021-09-29. Review status: criteria provided, single submitter. Criteria: ACMG Guidelines, 2015. Collection method: clinical testing. Allele origin: unknown.

Eurofins Ntd Llc (ga)
Classification: Uncertain significance. Last evaluated: 2018-02-13. Review status: criteria provided, single submitter. Criteria: EGL ClinVar v180209 classification definitions. Collection method: clinical testing. Allele origin: germline. Observed: 1 variant allele, 1 heterozygote.

NM_001267550.2(TTN):c.1694C>T (p.Ser565Phe)

Gene: TTN (titin; minus strand). Cytogenetic location: 2q31.2.
Variant type: single nucleotide variant.
Coding change: c.1694C>T on transcript NM_001267550.2 (MANE Select); coding-DNA position 1694, C replaced by T.
Protein change: p.Ser565Phe; replaces serine 565 with phenylalanine.
Molecular consequence: missense variant. On other transcripts: intron variant (3).
Genome position (GRCh38, 1-based): chr2:178,790,814, G>A on the plus strand (C>T on the coding strand, the complement: TTN is on the minus strand). VCF-style: chr2-178790814-G-A. GRCh37 (hg19) VCF-style: chr2-179655541-G-A.
Other names: c.1694C>T, p.Ser565Phe (NM_001256850.1, NM_133378.4, NM_133379.5); c.1663-699C>T (NM_003319.4, NM_133437.4, NM_133432.3); short protein forms S565F.
Identifiers: ClinVar variation 596013 (VCV000596013.7), dbSNP rs762175397, ClinGen allele CA2005986.